The following is an entry in ClinVar:

NM_001939.3(DRP2):c.578G>A (p.Arg193Gln)

Gene: DRP2 (dystrophin related protein 2; plus strand). Cytogenetic location: Xq22.1.
Variant type: single nucleotide variant.
Coding change: c.578G>A on transcript NM_001939.3 (MANE Select); coding-DNA position 578, G replaced by A.
Protein change: p.Arg193Gln; replaces arginine 193 with glutamine.
Molecular consequence: missense variant.
Genome position (GRCh38, 1-based): chrX:101,241,686, G>A. VCF-style: chrX-101241686-G-A. GRCh37 (hg19) VCF-style: chrX-100496675-G-A.
Other names: c.344G>A, p.Arg115Gln (NM_001171184.2); short protein forms R115Q, R193Q.
Identifiers: ClinVar variation 1401844 (VCV001401844.7), dbSNP rs767301512, ClinGen allele CA10472107.

ClinVar aggregate classification (germline): Uncertain significance (1 of 4 stars; one submission).

Allele frequency attached by ClinVar (database versions not stated): ExAC 0.00001; gnomAD exomes 0.00002 and 0.00004; TOPMed 0.00002; gnomAD 0.00004.
gnomAD v4.1: 49 of 1,209,468 alleles (0.0041%); highest among the groups gnomAD compares: East Asian, 0.0089%; no homozygotes.

Submission:

Labcorp Genetics (formerly Invitae), Labcorp
Classification: Uncertain significance. Last evaluated: 2021-05-05. Review status: criteria provided, single submitter. Criteria: Invitae Variant Classification Sherloc (09022015). Collection method: clinical testing. Allele origin: germline.
Comment: This variant has not been reported in the literature in individuals with DRP2-related conditions. This sequence change replaces arginine with glutamine at codon 193 of the DRP2 protein (p.Arg193Gln). The arginine residue is highly conserved and there is a small physicochemical difference between arginine and glutamine. This variant is present in population databases (rs767301512, ExAC 0.02%). Algorithms developed to predict the effect of missense changes on protein structure and function output the following: SIFT: "Deleterious"; PolyPhen-2: "Benign"; Align-GVGD: "Class C0". The glutamine amino acid residue is found in multiple mammalian species, suggesting that this missense change does not adversely affect protein function. These predictions have not been confirmed by published functional studies and their clinical significance is uncertain. Algorithms developed to predict the effect of sequence changes on RNA splicing suggest that this variant may create or strengthen a splice site, but this prediction has not been confirmed by published transcriptional studies. In summary, the available evidence is currently insufficient to determine the role of this variant in disease. Therefore, it has been classified as a Variant of Uncertain Significance.